The following is an entry in ClinVar:

ClinVar aggregate classification (germline): Likely benign (1 of 4 stars; one submission).

Allele frequency attached by ClinVar (database versions not stated): 1000 Genomes Project 0.00359; 1000 Genomes Project 30x 0.00359; gnomAD 0.00481 and 0.00519; TOPMed 0.00532.
gnomAD v4.1: 722 of 152,178 alleles (0.47%); highest among the groups gnomAD compares: African/African-American, 1.6%; 9 homozygotes.

Submission:

GeneDx
Classification: Likely benign. Last evaluated: 2018-06-16. Review status: criteria provided, single submitter. Criteria: GeneDx Variant Classification (06012015). Collection method: clinical testing. Allele origin: germline. Affected: yes.
Comment: This variant is considered likely benign or benign based on one or more of the following criteria: it is a conservative change, it occurs at a poorly conserved position in the protein, it is predicted to be benign by multiple in silico algorithms, and/or has population frequency not consistent with disease.

NM_001605.3(AARS1):c.1785+257G>A

Gene: AARS1 (alanyl-tRNA synthetase 1; minus strand). Cytogenetic location: 16q22.1.
Variant type: single nucleotide variant.
Coding change: c.1785+257G>A on transcript NM_001605.3 (MANE Select); 257 bases into the intron after coding-DNA position 1785, G replaced by A.
Molecular consequence: intron variant.
Genome position (GRCh38, 1-based): chr16:70,260,787, C>T on the plus strand (G>A on the coding strand, the complement: AARS1 is on the minus strand). VCF-style: chr16-70260787-C-T. GRCh37 (hg19) VCF-style: chr16-70294690-C-T.
Identifiers: ClinVar variation 673488 (VCV000673488.1), dbSNP rs575157151, ClinGen allele CA283431735.